The following is an entry in ClinVar:

ClinVar aggregate classification (germline): Uncertain significance (1 of 4 stars; one submission).

Submission:

Labcorp Genetics (formerly Invitae), Labcorp
Classification: Uncertain significance. Last evaluated: 2020-01-30. Review status: criteria provided, single submitter. Criteria: Invitae Variant Classification Sherloc (09022015). Collection method: clinical testing. Allele origin: germline.
Comment: This sequence change results in a premature translational stop signal in the PLEKHM2 gene (p.Lys988Argfs*8). While this is not anticipated to result in nonsense mediated decay, it is expected to disrupt the last 32 amino acids of the PLEKHM2 protein. In summary, the available evidence is currently insufficient to determine the role of this variant in disease. Therefore, it has been classified as a Variant of Uncertain Significance. Experimental studies and prediction algorithms are not available for this variant, and the functional significance of the affected amino acid(s) is currently unknown. This variant has not been reported in the literature in individuals with PLEKHM2-related conditions. This variant is present in population databases (rs753628124, ExAC 0.002%).

NM_015164.4(PLEKHM2):c.2963del (p.Lys988fs)

Gene: PLEKHM2 (pleckstrin homology and RUN domain containing M2; plus strand). Cytogenetic location: 1p36.21.
Variant type: Deletion.
Coding change: c.2963del on transcript NM_015164.4 (MANE Select); coding-DNA position 2963, one base deleted (A; older notation c.2963delA).
Protein change: p.Lys988fs; shifts the reading frame from lysine 988.
Molecular consequence: frameshift variant.
Genome position (GRCh38, 1-based): chr1:15,733,837, A deleted; the last of 2 consecutive A bases (chr1:15,733,836-15,733,837); deleting either gives the same sequence. VCF-style (leftmost placement, unchanged base first): chr1-15733835-CA-C. GRCh37 (hg19) VCF-style: chr1-16060330-CA-C.
Other names: short protein forms K988fs.
Identifiers: ClinVar variation 846032 (VCV000846032.9), dbSNP rs753628124, ClinGen allele CA617415.